The following is an entry in ClinVar:

ClinVar aggregate classification (germline): Uncertain significance. Review status: criteria provided, multiple submitters, no conflicts (2 of 4 stars). 2 submissions from 2 submitters: Uncertain significance (2). Last evaluated 2025-07-21.

Conditions:
Pancreatic adenocarcinoma. Identifiers: MedGen C0281361, MONDO:0006047, HP:0006725.

Allele frequency attached by ClinVar (database versions not stated): TOPMed 0.00001; ESP Exome Variant Server 0.00008.
gnomAD v4.1: 3 of 1,610,224 alleles (0.00019%); highest among the groups gnomAD compares: Non-Finnish European, 0.00025%; no homozygotes.

Submissions (2):

Labcorp Genetics (formerly Invitae), Labcorp
Classification: Uncertain significance for Pancreatic adenocarcinoma. Last evaluated: 2025-07-21. Review status: criteria provided, single submitter. Criteria: Invitae Variant Classification Sherloc (09022015). Collection method: clinical testing. Allele origin: germline.
Comment: This sequence change replaces tyrosine, which is neutral and polar, with serine, which is neutral and polar, at codon 322 of the PALLD protein (p.Tyr322Ser). This variant is not present in population databases (gnomAD no frequency). This variant has not been reported in the literature in individuals affected with PALLD-related conditions. ClinVar contains an entry for this variant (Variation ID: 1046323). An algorithm developed to predict the effect of missense changes on protein structure and function (PolyPhen-2) suggests that this variant is likely to be disruptive. In summary, the available evidence is currently insufficient to determine the role of this variant in disease. Therefore, it has been classified as a Variant of Uncertain Significance.

Ambry Genetics
Classification: Uncertain significance. Last evaluated: 2024-12-08. Review status: criteria provided, single submitter. Criteria: Ambry Variant Classification Scheme 2023. Collection method: clinical testing. Allele origin: germline.
Comment: The p.Y322S variant (also known as c.965A>C), located in coding exon 5 of the PALLD gene, results from an A to C substitution at nucleotide position 965. The tyrosine at codon 322 is replaced by serine, an amino acid with dissimilar properties. This amino acid position is conserved. In addition, this alteration is predicted to be deleterious by in silico analysis. Based on the available evidence, the clinical significance of this variant remains unclear.

NM_001166108.2(PALLD):c.2477A>C (p.Tyr826Ser)

Genes: CBR4 (carbonyl reductase 4; minus strand), PALLD (palladin, cytoskeletal associated protein; plus strand). Cytogenetic location: 4q32.3.
Variant type: single nucleotide variant.
Coding change: c.2477A>C on transcript NM_001166108.2 (MANE Select); coding-DNA position 2477, A replaced by C.
Protein change: p.Tyr826Ser; replaces tyrosine 826 with serine.
Molecular consequence: missense variant.
Genome position (GRCh38, 1-based): chr4:168,903,761, A>C. VCF-style: chr4-168903761-A-C. GRCh37 (hg19) VCF-style: chr4-169824912-A-C.
Other names: c.1280A>C, p.Tyr427Ser (NM_001166109.2); c.965A>C, p.Tyr322Ser (NM_001166110.2); c.305A>C, p.Tyr102Ser (NM_001367567.1, NM_001367569.1); c.356A>C, p.Tyr119Ser (NM_001367568.1, NM_001367570.1); c.2426A>C, p.Tyr809Ser (NM_016081.4); c.965A>C (NM_001166110.1); short protein forms Y119S, Y427S, Y102S, Y322S, Y809S, Y826S.
Identifiers: ClinVar variation 1046323 (VCV001046323.9), dbSNP rs372470150, ClinGen allele CA110518506.
Genomic context (GRCh38, chr4:168,903,761, plus strand): 5'-CAAATAGAGTAGGAATACACAAACTCCTAATCTTTAATCTTTGTTTCTATTCACAGATCT[A>C]TTGGTTTAAAGATGGGAAGCAGATCTCTCCAAAGAGTGATCACTACACCATTCAAAGAGA-3'
Protein context (NP_001159580.1, residues 816-836): RVAGNPKPKI[Tyr826Ser]WFKDGKQISP